The following is an entry in ClinVar:

ClinVar aggregate classification (germline): Uncertain significance (1 of 4 stars; one submission).

Submission:

Ambry Genetics
Classification: Uncertain significance. Last evaluated: 2025-10-23. Review status: criteria provided, single submitter. Criteria: Ambry Variant Classification Scheme 2023. Collection method: clinical testing. Allele origin: germline.
Comment: The c.3253T>C (p.Y1085H) alteration is located in exon 23 (coding exon 23) of the TRPM7 gene. This alteration results from a T to C substitution at nucleotide position 3253, causing the tyrosine (Y) at amino acid position 1085 to be replaced by a histidine (H). This variant was not reported in population-based cohorts in the Genome Aggregation Database (gnomAD). This amino acid position is well conserved in available vertebrate species. This alteration is predicted to be deleterious by in silico analysis. Based on insufficient or conflicting evidence, the clinical significance of this alteration remains unclear.

NM_017672.6(TRPM7):c.3253T>C (p.Tyr1085His)

Gene: TRPM7 (transient receptor potential cation channel subfamily M member 7; minus strand). Cytogenetic location: 15q21.2.
Variant type: single nucleotide variant.
Coding change: c.3253T>C on transcript NM_017672.6 (MANE Select); coding-DNA position 3253, T replaced by C.
Protein change: p.Tyr1085His; replaces tyrosine 1085 with histidine.
Molecular consequence: missense variant. On other transcripts: non-coding transcript variant (1).
Genome position (GRCh38, 1-based): chr15:50,596,292, A>G on the plus strand (T>C on the coding strand, the complement: TRPM7 is on the minus strand). VCF-style: chr15-50596292-A-G. GRCh37 (hg19) VCF-style: chr15-50888489-A-G.
Other names: c.3253T>C, p.Tyr1085His (NM_001301212.2); short protein forms Y1085H.
Identifiers: ClinVar variation 4191866 (VCV004191866.2).